The following is an entry in ClinVar:

ClinVar aggregate classification (germline): Uncertain significance. Review status: criteria provided, multiple submitters, no conflicts (2 of 4 stars). 2 submissions from 2 submitters: Uncertain significance (2). Last evaluated 2025-06-12.

Allele frequency attached by ClinVar (database versions not stated): ExAC 0.00001; gnomAD 0.00002; TOPMed 0.00002; ESP Exome Variant Server 0.00015.
gnomAD v4.1: 3 of 1,614,044 alleles (0.00019%); highest among the groups gnomAD compares: African/African-American, 0.004%; no homozygotes.

Submissions (2):

Labcorp Genetics (formerly Invitae), Labcorp
Classification: Uncertain significance. Last evaluated: 2025-06-12. Review status: criteria provided, single submitter. Criteria: Invitae Variant Classification Sherloc (09022015). Collection method: clinical testing. Allele origin: germline.
Comment: This sequence change replaces asparagine, which is neutral and polar, with histidine, which is basic and polar, at codon 213 of the TBX18 protein (p.Asn213His). This variant is present in population databases (rs374437053, gnomAD 0.008%). This variant has not been reported in the literature in individuals affected with TBX18-related conditions. ClinVar contains an entry for this variant (Variation ID: 1800817). Invitae Evidence Modeling of protein sequence and biophysical properties (such as structural, functional, and spatial information, amino acid conservation, physicochemical variation, residue mobility, and thermodynamic stability) indicates that this missense variant is expected to disrupt TBX18 protein function with a positive predictive value of 80%. In summary, the available evidence is currently insufficient to determine the role of this variant in disease. Therefore, it has been classified as a Variant of Uncertain Significance.

GeneDx
Classification: Uncertain significance. Last evaluated: 2022-05-23. Review status: criteria provided, single submitter. Criteria: GeneDx Variant Classification Process June 2021. Collection method: clinical testing. Allele origin: germline. Affected: yes.
Comment: In silico analysis supports that this missense variant has a deleterious effect on protein structure/function; Has not been previously published as pathogenic or benign to our knowledge

NM_001080508.3(TBX18):c.637A>C (p.Asn213His)

Gene: TBX18 (T-box transcription factor 18; minus strand). Cytogenetic location: 6q14.3.
Variant type: single nucleotide variant.
Coding change: c.637A>C on transcript NM_001080508.3 (MANE Select); coding-DNA position 637, A replaced by C.
Protein change: p.Asn213His; replaces asparagine 213 with histidine.
Molecular consequence: missense variant.
Genome position (GRCh38, 1-based): chr6:84,756,832, T>G on the plus strand (A>C on the coding strand, the complement: TBX18 is on the minus strand). VCF-style: chr6-84756832-T-G. GRCh37 (hg19) VCF-style: chr6-85466550-T-G.
Other names: short protein forms N213H.
Identifiers: ClinVar variation 1800817 (VCV001800817.4), dbSNP rs374437053, ClinGen allele CA3911036.
Genomic context (GRCh38, chr6:84,756,832, plus strand): 5'-CCCCCGAGGCAGGCGAGTCTGGATGAATGTACACACGGGGTGGCACAGGCGAGTCAGCAT[T>G]ACCTGCCACCATCCATTTCGAACTGTGGTAAACATACCTAGAAGGCAATGACCAGGCGTT-3'
Protein context (NP_001073977.1, residues 203-223): YHSSKWMVAG[Asn213His]ADSPVPPRVY